The following is an entry in ClinVar:

ClinVar aggregate classification (germline): Uncertain significance (1 of 4 stars; one submission).

Conditions:
CFTR-related disorder (CFTR-RD). Also called: CFTR-related condition; CFTR-related disorders. Identifiers: MedGen C5924204, MONDO:7770004.

Submission:

Illumina Laboratory Services, Illumina
Classification: Uncertain significance for CFTR-Related Disorders. Last evaluated: 2017-04-27. Review status: criteria provided, single submitter. Criteria: ICSL Variant Classification Criteria 13 December 2019. Collection method: clinical testing. Allele origin: germline.
Comment: This variant was observed as part of a predisposition screen in an ostensibly healthy population. A literature search was performed for the gene, cDNA change, and amino acid change (where applicable). Publications were found based on this search. However, the evidence from the literature, in combination with allele frequency data from public databases where available, was not sufficient to rule this variant in or out of causing disease. Therefore, this variant is classified as a variant of unknown significance.

Literature cited by the submitters: PubMed 25956447; PubMed 15623556.

NM_000492.4(CFTR):c.1384G>T (p.Ala462Ser)

Genes: CFTR (CF transmembrane conductance regulator; plus strand), CFTR-AS1 (CFTR antisense RNA 1; minus strand). Cytogenetic location: 7q31.2.
Variant type: single nucleotide variant.
Coding change: c.1384G>T on transcript NM_000492.4 (MANE Select); coding-DNA position 1384, G replaced by T.
Protein change: p.Ala462Ser; replaces alanine 462 with serine.
Molecular consequence: missense variant.
Genome position (GRCh38, 1-based): chr7:117,548,815, G>T. VCF-style: chr7-117548815-G-T. GRCh37 (hg19) VCF-style: chr7-117188869-G-T.
Other names: short protein forms A462S.
Identifiers: ClinVar variation 910202 (VCV000910202.4), dbSNP rs1799216405, ClinGen allele CA368982563.
Genomic context (GRCh38, chr7:117,548,815, plus strand): 5'-AAAGATATTAATTTCAAGATAGAAAGAGGACAGTTGTTGGCGGTTGCTGGATCCACTGGA[G>T]CAGGCAAGGTAGTTCTTTTGTTCTTCACTATTAAGAACTTAATTTGGTGTCCATGTCTCT-3'
Protein context (NP_000483.3, residues 452-472): QLLAVAGSTG[Ala462Ser]GKTSLLMVIM